The following is an entry in ClinVar:

ClinVar aggregate classification (germline): Pathogenic (1 of 4 stars; one submission).

Submission:

Labcorp Genetics (formerly Invitae), Labcorp
Classification: Pathogenic. Last evaluated: 2022-12-07. Review status: criteria provided, single submitter. Criteria: Invitae Variant Classification Sherloc (09022015). Collection method: clinical testing. Allele origin: unknown.
Comment: For these reasons, this variant has been classified as Pathogenic. This variant has not been reported in the literature in individuals affected with POLE-related conditions. This variant is a gross deletion of the genomic region encompassing exon(s) 1-16 of the POLE gene, which includes the initiator codon. This deletion extends beyond the assayed region for this gene and therefore may encompass additional genes. It is expected to result in an absent or disrupted protein product. Loss-of-function variants in POLE are known to be pathogenic (PMID: 23230001, 25948378, 30503519).

Literature cited by the submitters: PubMed 23230001; PubMed 25948378; PubMed 30503519.

NC_000012.11:g.(?_133248791)_(133263901_?)del

Gene: POLE (DNA polymerase epsilon, catalytic subunit; minus strand). Cytogenetic location: 12q24.33.
Variant type: Deletion.
Identifiers: ClinVar variation 3244395 (VCV003244395.1).